The following is an entry in ClinVar:

ClinVar aggregate classification (germline): Uncertain significance. Review status: criteria provided, multiple submitters, no conflicts (2 of 4 stars). 4 submissions from 4 submitters: Uncertain significance (4). Last evaluated 2026-04-23.

Conditions:
PMM2-congenital disorder of glycosylation. Also called: CDG Ia; JAEKEN SYNDROME; PHOSPHOMANNOMUTASE 2 DEFICIENCY; CARBOHYDRATE-DEFICIENT GLYCOPROTEIN SYNDROME, TYPE Ia; PMM2-CDG; Congenital disorder of glycosylation, type Ia. Identifiers: Orphanet 79318, MedGen C0349653, MONDO:0008907, OMIM 212065.

Allele frequency attached by ClinVar (database versions not stated): ExAC 0.00002; gnomAD exomes below 0.00001; TOPMed 0.00001.
gnomAD v4.1: 36 of 1,614,008 alleles (0.0022%); highest among the groups gnomAD compares: Non-Finnish European, 0.0029%; no homozygotes.

Submissions (4):

GeneDx
Classification: Uncertain significance. Last evaluated: 2026-04-23. Review status: criteria provided, single submitter. Criteria: GeneDx Variant Classification Process June 2021. Collection method: clinical testing. Allele origin: germline.
Comment: Not observed at significant frequency in large population cohorts (gnomAD); In silico analysis supports that this missense variant has a deleterious effect on protein structure/function; Has not been previously published as pathogenic or benign to our knowledge

Blueprint Genetics
Classification: Uncertain significance. Last evaluated: 2023-08-18. Review status: criteria provided, single submitter. Criteria: ACMG Guidelines, 2015. Collection method: clinical testing. Allele origin: germline.

Labcorp Genetics (formerly Invitae), Labcorp
Classification: Uncertain significance for PMM2-congenital disorder of glycosylation. Last evaluated: 2022-08-19. Review status: criteria provided, single submitter. Criteria: Invitae Variant Classification Sherloc (09022015). Collection method: clinical testing. Allele origin: germline.
Comment: This sequence change replaces proline, which is neutral and non-polar, with arginine, which is basic and polar, at codon 224 of the PMM2 protein (p.Pro224Arg). This variant is present in population databases (rs778488908, gnomAD 0.002%). This variant has not been reported in the literature in individuals affected with PMM2-related conditions. ClinVar contains an entry for this variant (Variation ID: 1381172). Algorithms developed to predict the effect of missense changes on protein structure and function are either unavailable or do not agree on the potential impact of this missense change (SIFT: "Deleterious"; PolyPhen-2: "Possibly Damaging"; Align-GVGD: "Class C0"). In summary, the available evidence is currently insufficient to determine the role of this variant in disease. Therefore, it has been classified as a Variant of Uncertain Significance.

Fulgent Genetics
Classification: Uncertain significance for PMM2-congenital disorder of glycosylation. Last evaluated: 2022-05-04. Review status: criteria provided, single submitter. Criteria: ACMG Guidelines, 2015. Collection method: clinical testing. Allele origin: unknown.

NM_000303.3(PMM2):c.671C>G (p.Pro224Arg)

Gene: PMM2 (phosphomannomutase 2; plus strand). Cytogenetic location: 16p13.2.
Variant type: single nucleotide variant.
Coding change: c.671C>G on transcript NM_000303.3 (MANE Select); coding-DNA position 671, C replaced by G.
Protein change: p.Pro224Arg; replaces proline 224 with arginine.
Molecular consequence: missense variant.
Genome position (GRCh38, 1-based): chr16:8,847,755, C>G. VCF-style: chr16-8847755-C-G. GRCh37 (hg19) VCF-style: chr16-8941612-C-G.
Other names: c.671C>G (NM_000303.2); short protein forms P224R.
Identifiers: ClinVar variation 1381172 (VCV001381172.6), dbSNP rs778488908, ClinGen allele CA7894200.